The following is an entry in ClinVar:

ClinVar aggregate classification (germline): Uncertain significance (1 of 4 stars; one submission).

Conditions:
Cardiovascular phenotype. Identifiers: MedGen CN230736.

Submission:

Ambry Genetics
Classification: Uncertain significance for Cardiovascular phenotype. Last evaluated: 2026-05-21. Review status: criteria provided, single submitter. Criteria: Ambry Variant Classification Scheme 2023. Collection method: clinical testing. Allele origin: germline.
Comment: The p.S1508C variant (also known as c.4523C>G), located in coding exon 38 of the ABCC9 gene, results from a C to G substitution at nucleotide position 4523. The serine at codon 1508 is replaced by cysteine, an amino acid with dissimilar properties. This amino acid position is conserved. In addition, the in silico prediction for this alteration is inconclusive. Based on the available evidence, the clinical significance of this variant remains unclear.

NM_020297.4(ABCC9):c.4512+697C>G

Genes: ABCC9 (ATP binding cassette subfamily C member 9; minus strand), KCNJ8-AS1 (KCNJ8 antisense RNA 1; plus strand). Cytogenetic location: 12p12.1.
Variant type: single nucleotide variant.
Coding change: c.4512+697C>G on transcript NM_020297.4 (MANE Select); 697 bases into the intron after coding-DNA position 4512, C replaced by G.
Molecular consequence: intron variant. On other transcripts: missense variant (1).
Genome position (GRCh38, 1-based): chr12:21,805,301, G>C on the plus strand (C>G on the coding strand, the complement: ABCC9 is on the minus strand). VCF-style: chr12-21805301-G-C. GRCh37 (hg19) VCF-style: chr12-21958235-G-C.
Other names: c.4523C>G, p.Ser1508Cys (NM_005691.4); c.3645+697C>G (NM_001377274.1); c.4512+697C>G (NM_001377273.1); short protein forms S1508C.
Identifiers: ClinVar variation 4861219 (VCV004861219.1).